The following is an entry in ClinVar:

NM_018060.4(IARS2):c.1564A>G (p.Ile522Val)

Gene: IARS2 (isoleucyl-tRNA synthetase 2, mitochondrial; plus strand). Cytogenetic location: 1q41.
Variant type: single nucleotide variant.
Coding change: c.1564A>G on transcript NM_018060.4 (MANE Select); coding-DNA position 1564, A replaced by G.
Protein change: p.Ile522Val; replaces isoleucine 522 with valine.
Molecular consequence: missense variant.
Genome position (GRCh38, 1-based): chr1:220,114,398, A>G. VCF-style: chr1-220114398-A-G. GRCh37 (hg19) VCF-style: chr1-220287740-A-G.
Other names: short protein forms I522V.
Identifiers: ClinVar variation 381453 (VCV000381453.16), dbSNP rs11800305, ClinGen allele CA1401458.
Genomic context (GRCh38, chr1:220,114,398, plus strand): 5'-ATTCCTGGATCAGCACTGAATGGCATGGTTGAAATGATGGACAGGCGGCCATATTGGTGT[A>G]TATCAAGGCAAAGAGTTTGGGGTGTTCCAATTCCTGTGTTTCATCATAAGACCAAGGATG-3'
Protein context (NP_060530.3, residues 512-532): EMMDRRPYWC[Ile522Val]SRQRVWGVPI

ClinVar aggregate classification (germline): Benign. Review status: criteria provided, multiple submitters, no conflicts (2 of 4 stars). 4 submissions from 4 submitters: Benign (3). 1 of the submissions does not count toward it. Last evaluated 2026-01-27.

Allele frequency attached by ClinVar (database versions not stated): gnomAD exomes 0.00124 and 0.00345; ExAC 0.00418; gnomAD 0.01066 and 0.01131; ESP Exome Variant Server 0.01223; TOPMed 0.01230; 1000 Genomes Project 0.01438; 1000 Genomes Project 30x 0.01483.
gnomAD v4.1: 3,522 of 1,613,882 alleles (0.22%); highest among the groups gnomAD compares: African/African-American, 3.5%; 58 homozygotes.

Submissions (5):

Labcorp Genetics (formerly Invitae), Labcorp
Classification: Benign. Last evaluated: 2026-01-27. Review status: criteria provided, single submitter. Criteria: Invitae Variant Classification Sherloc (09022015). Collection method: clinical testing. Allele origin: germline.

GeneDx
Classification: Benign. Last evaluated: 2016-08-10. Review status: criteria provided, single submitter. Criteria: GeneDx Variant Classification (06012015). Collection method: clinical testing. Allele origin: germline. Affected: yes.
Comment: This variant is considered likely benign or benign based on one or more of the following criteria: it is a conservative change, it occurs at a poorly conserved position in the protein, it is predicted to be benign by multiple in silico algorithms, and/or has population frequency not consistent with disease.

Breakthrough Genomics
Classification: Benign. Review status: criteria provided, single submitter. Criteria: ACMG Guidelines, 2015. Collection method: not provided. Allele origin: germline. Inheritance: Autosomal recessive inheritance. Affected: yes.

Mayo Clinic Laboratories, Mayo Clinic
Classification: Likely benign. Last evaluated: 2016-02-29. Review status: no assertion criteria provided. Collection method: clinical testing. Allele origin: unknown. Not counted in ClinVar's aggregate classification.

Dr. Peter K. Rogan Lab, Western University
No classification provided (evidence only). Condition: Lymphoma. Review status: no classification provided. Collection method: in vitro. Allele origin: not applicable. Functional consequence: retained intron. Not counted in ClinVar's aggregate classification.